The following is an entry in ClinVar:

NM_001382391.1(CSPP1):c.3138A>G (p.Lys1046=)

Genes: ARFGEF1 (ARF guanine nucleotide exchange factor 1; minus strand), CSPP1 (centrosome and spindle pole associated protein 1; plus strand). Cytogenetic location: 8q13.2.
Variant type: single nucleotide variant.
Coding change: c.3138A>G on transcript NM_001382391.1 (MANE Select); coding-DNA position 3138, A replaced by G.
Protein change: p.Lys1046=; no amino-acid change (lysine 1046 retained).
Molecular consequence: synonymous variant. On other transcripts: intron variant (2).
Genome position (GRCh38, 1-based): chr8:67,177,708, A>G. VCF-style: chr8-67177708-A-G. GRCh37 (hg19) VCF-style: chr8-68089943-A-G.
Other names: c.2970A>G, p.Lys990= (NM_001438330.1); c.3123A>G, p.Lys1041= (NM_001438331.1, NM_024790.7); c.2439A>G, p.Lys813= (NM_001438332.1); c.5368-2136T>C (NM_001413186.1); c.5386-2136T>C (NM_001413187.1); c.3204A>G, p.Lys1068= (NM_001364869.1); c.3024A>G, p.Lys1008= (NM_001364870.1); c.2088A>G, p.Lys696= (NM_001291339.2); and 3 more.
Identifiers: ClinVar variation 379767 (VCV000379767.13), dbSNP rs76567936, ClinGen allele CA4771068.
Genomic context (GRCh38, chr8:67,177,708, plus strand): 5'-TTTAATTTGCTTTTGTTCTCCATTGACTACAGTTGACTTAGATGCCATCCCAAGTGCTAA[A>G]GTACGAGAGCAAAGAATGGTAAGCAACCAGTTACAATTTTTCAAGTTAGTTTTTGGGGGA-3'
Protein context (NP_001369320.1, residues 1036-1056): KVDLDAIPSA[Lys1046=]VREQRMPRDD

ClinVar aggregate classification (germline): Benign. Review status: criteria provided, multiple submitters, no conflicts (2 of 4 stars). 3 submissions from 3 submitters: Benign (3). Last evaluated 2026-02-01.

Conditions:
Joubert syndrome 21 (JBTS21). Identifiers: MedGen C3810212, MONDO:0014288, OMIM 615636.

Allele frequency attached by ClinVar (database versions not stated): gnomAD exomes 0.00134 and 0.00363; ExAC 0.00454; 1000 Genomes Project 30x 0.01655; 1000 Genomes Project 0.01558; gnomAD 0.01532 and 0.01632; ESP Exome Variant Server 0.01627; TOPMed 0.01718.
gnomAD v4.1: 4,371 of 1,612,298 alleles (0.27%); highest among the groups gnomAD compares: African/African-American, 5.3%; 105 homozygotes.

Submissions (16):

Labcorp Genetics (formerly Invitae), Labcorp
Classification: Benign for Joubert syndrome 21. Last evaluated: 2026-02-01. Review status: criteria provided, single submitter. Criteria: Invitae Variant Classification Sherloc (09022015). Collection method: clinical testing. Allele origin: germline.

GeneDx
Classification: Benign. Last evaluated: 2016-03-31. Review status: criteria provided, single submitter. Criteria: GeneDx Variant Classification (06012015). Collection method: clinical testing. Allele origin: germline. Affected: yes.
Comment: This variant is considered likely benign or benign based on one or more of the following criteria: it is a conservative change, it occurs at a poorly conserved position in the protein, it is predicted to be benign by multiple in silico algorithms, and/or has population frequency not consistent with disease.

Breakthrough Genomics
Classification: Benign. Review status: criteria provided, single submitter. Criteria: ACMG Guidelines, 2015. Collection method: not provided. Allele origin: germline. Inheritance: Autosomal recessive inheritance. Affected: yes.

Dr. Peter K. Rogan Lab, Western University
No classification provided (evidence only). Condition: Clear cell carcinoma of kidney. Review status: no classification provided. Collection method: in vitro. Allele origin: not applicable. Functional consequence: retained intron. Not counted in ClinVar's aggregate classification.

Dr. Peter K. Rogan Lab, Western University
No classification provided (evidence only). Condition: Lung cancer. Review status: no classification provided. Collection method: in vitro. Allele origin: not applicable. Functional consequence: retained intron. Not counted in ClinVar's aggregate classification.

Dr. Peter K. Rogan Lab, Western University
No classification provided (evidence only). Condition: Acute myeloid leukemia. Review status: no classification provided. Collection method: in vitro. Allele origin: not applicable. Functional consequence: retained intron. Not counted in ClinVar's aggregate classification.

Dr. Peter K. Rogan Lab, Western University
No classification provided (evidence only). Condition: Acute myeloid leukemia. Review status: no classification provided. Collection method: in vitro. Allele origin: not applicable. Functional consequence: retained intron. Not counted in ClinVar's aggregate classification.

Dr. Peter K. Rogan Lab, Western University
No classification provided (evidence only). Condition: Acute myeloid leukemia. Review status: no classification provided. Collection method: in vitro. Allele origin: not applicable. Functional consequence: skipped exon. Not counted in ClinVar's aggregate classification.

Dr. Peter K. Rogan Lab, Western University
No classification provided (evidence only). Condition: Colorectal cancer. Review status: no classification provided. Collection method: in vitro. Allele origin: not applicable. Functional consequence: skipped exon. Not counted in ClinVar's aggregate classification.

Dr. Peter K. Rogan Lab, Western University
No classification provided (evidence only). Condition: Uterine corpus endometrial carcinoma. Review status: no classification provided. Collection method: in vitro. Allele origin: not applicable. Functional consequence: retained intron. Not counted in ClinVar's aggregate classification.

Dr. Peter K. Rogan Lab, Western University
No classification provided (evidence only). Condition: Uterine corpus endometrial carcinoma. Review status: no classification provided. Collection method: in vitro. Allele origin: not applicable. Functional consequence: retained intron. Not counted in ClinVar's aggregate classification.

Dr. Peter K. Rogan Lab, Western University
No classification provided (evidence only). Condition: Cervical cancer. Review status: no classification provided. Collection method: in vitro. Allele origin: not applicable. Functional consequence: retained intron. Not counted in ClinVar's aggregate classification.

Dr. Peter K. Rogan Lab, Western University
No classification provided (evidence only). Condition: Cervical cancer. Review status: no classification provided. Collection method: in vitro. Allele origin: not applicable. Functional consequence: retained intron. Not counted in ClinVar's aggregate classification.

Dr. Peter K. Rogan Lab, Western University
No classification provided (evidence only). Condition: Hepatocellular carcinoma. Review status: no classification provided. Collection method: in vitro. Allele origin: not applicable. Functional consequence: retained intron. Not counted in ClinVar's aggregate classification.

Dr. Peter K. Rogan Lab, Western University
No classification provided (evidence only). Condition: Ovarian serous cystadenocarcinoma. Review status: no classification provided. Collection method: in vitro. Allele origin: not applicable. Functional consequence: retained intron. Not counted in ClinVar's aggregate classification.

Dr. Peter K. Rogan Lab, Western University
No classification provided (evidence only). Condition: Uterine carcinosarcoma. Review status: no classification provided. Collection method: in vitro. Allele origin: not applicable. Functional consequence: retained intron. Not counted in ClinVar's aggregate classification.